The following is an entry in ClinVar:

NM_004385.5(VCAN):c.9778T>A (p.Ser3260Thr)

Gene: VCAN (versican; plus strand). Cytogenetic location: 5q14.3.
Variant type: single nucleotide variant.
Coding change: c.9778T>A on transcript NM_004385.5 (MANE Select); coding-DNA position 9778, T replaced by A.
Protein change: p.Ser3260Thr; replaces serine 3260 with threonine.
Molecular consequence: missense variant.
Genome position (GRCh38, 1-based): chr5:83,572,458, T>A. VCF-style: chr5-83572458-T-A. GRCh37 (hg19) VCF-style: chr5-82868277-T-A.
Other names: c.1555T>A, p.Ser519Thr (NM_001126336.3); c.6817T>A, p.Ser2273Thr (NM_001164097.2); c.4516T>A, p.Ser1506Thr (NM_001164098.2); short protein forms S1506T, S2273T, S3260T, S519T.
Identifiers: ClinVar variation 3346544 (VCV003346544.1).

ClinVar aggregate classification (germline): Uncertain significance (0 of 4 stars; one submission).

Conditions:
VCAN-related disorder. Also called: VCAN-related condition.

Submission:

PreventionGenetics, part of Exact Sciences
Classification: Uncertain significance for VCAN-related condition. Last evaluated: 2024-05-24. Review status: no assertion criteria provided. Collection method: clinical testing. Allele origin: germline.
Comment: The VCAN c.9778T>A variant is predicted to result in the amino acid substitution p.Ser3260Thr. To our knowledge, this variant has not been reported in the literature or in a large population database, indicating this variant is rare. At this time, the clinical significance of this variant is uncertain due to the absence of conclusive functional and genetic evidence.